The following is an entry in ClinVar:

NM_014484.5(MOCS3):c.1202AAG[1] (p.Glu402del)

Gene: MOCS3 (molybdenum cofactor synthesis 3; plus strand). Cytogenetic location: 20q13.13.
Variant type: Microsatellite.
Coding change: c.1202AAG[1] on transcript NM_014484.5 (MANE Select); one copy of the 3-base unit AAG starting at c.1202; the reference has two copies in a row; one copy, 3 bases deleted.
Protein change: p.Glu402del; deletes glutamic acid 402.
Molecular consequence: inframe deletion.
Genome position (GRCh38, 1-based): chr20:50,960,047-50,960,049, AAG deleted; deleting any 3 consecutive bases within chr20:50,960,044-50,960,049 gives the same sequence; the position shown is the placement nearest the transcript's 3' end. VCF-style (leftmost placement, unchanged base first): chr20-50960043-CAAG-C. GRCh37 (hg19) VCF-style: chr20-49576580-CAAG-C.
Other names: short protein forms E402del.
Identifiers: ClinVar variation 1465789 (VCV001465789.6), dbSNP rs770718016, ClinGen allele CA9909553.

ClinVar aggregate classification (germline): Uncertain significance (1 of 4 stars; one submission).

Submission:

Labcorp Genetics (formerly Invitae), Labcorp
Classification: Uncertain significance. Last evaluated: 2024-10-21. Review status: criteria provided, single submitter. Criteria: Invitae Variant Classification Sherloc (09022015). Collection method: clinical testing. Allele origin: germline.
Comment: This variant, c.1205_1207del, results in the deletion of 1 amino acid(s) of the MOCS3 protein (p.Glu402del), but otherwise preserves the integrity of the reading frame. This variant is present in population databases (rs770718016, gnomAD 0.007%). This variant has not been reported in the literature in individuals affected with MOCS3-related conditions. Experimental studies and prediction algorithms are not available or were not evaluated, and the functional significance of this variant is currently unknown. In summary, the available evidence is currently insufficient to determine the role of this variant in disease. Therefore, it has been classified as a Variant of Uncertain Significance.